The following is an entry in ClinVar:

ClinVar aggregate classification (germline): Pathogenic/Likely pathogenic. Review status: criteria provided, multiple submitters, no conflicts (2 of 4 stars). 3 submissions from 2 submitters: Pathogenic (2); Likely pathogenic (1). Last evaluated 2024-03-15.

Conditions:
Hereditary pancreatitis (PCTT). Also called: Hereditary chronic pancreatitis; PRSS1-Related Hereditary Pancreatitis. Identifiers: Orphanet 676, MedGen C0238339, MONDO:0008185, OMIM 167800.
Hereditary nonpolyposis colon cancer (HNPCC). Also called: Hereditary nonpolyposis colorectal cancer; Familial nonpolyposis colon cancer; Hereditary Nonpolyposis Colorectal Cancer Syndrome. Identifiers: Orphanet 443909, MedGen C1333990, MONDO:0018630. Disease mechanism: loss of function.

Submissions (3):

Women's Health and Genetics/Laboratory Corporation of America, LabCorp
Classification: Pathogenic for Hereditary pancreatitis. Last evaluated: 2024-03-15. Review status: criteria provided, single submitter. Criteria: LabCorp Variant Classification Summary - May 2015. Collection method: clinical testing. Allele origin: germline.
Comment: Variant summary: CFTR c.1239dupA (p.Gln414ThrfsX4) results in a premature termination codon, predicted to cause a truncation of the encoded protein or absence of the protein due to nonsense mediated decay, which are commonly known mechanisms for disease. The variant was absent in 247414 control chromosomes. To our knowledge, no occurrence of c.1239dupA in individuals affected with CFTR and related disorders and no experimental evidence demonstrating its impact on protein function have been reported. ClinVar contains an entry for this variant (Variation ID: 439050). Based on the evidence outlined above, the variant was classified as pathogenic.

Women's Health and Genetics/Laboratory Corporation of America, LabCorp
Classification: Pathogenic for Hereditary nonpolyposis colon cancer. Last evaluated: 2024-03-15. Review status: criteria provided, single submitter. Criteria: LabCorp Variant Classification Summary - May 2015. Collection method: clinical testing. Allele origin: germline.
Comment: Variant summary: PMS2 c.1239dupA (p.Asp414ArgfsX44) results in a premature termination codon, predicted to cause a truncation of the encoded protein or absence of the protein due to nonsense mediated decay, which are commonly known mechanisms for disease. The frequency data for this variant in gnomAD is considered unreliable, as metrics indicate poor data quality at this position. c.1239dupA has been reported in the literature in individuals affected with suspected Lynch Syndrome (e.g., Carneiro da Silva_2015). The following publication was ascertained in the context of this evaluation (PMID: 26437257). ClinVar contains an entry for this variant (Variation ID: 216072). Based on the evidence outlined above, the variant was classified as pathogenic.

Quest Diagnostics Nichols Institute San Juan Capistrano
Classification: Likely pathogenic. Last evaluated: 2017-05-31. Review status: criteria provided, single submitter. Criteria: Quest Diagnostics criteria. Collection method: clinical testing. Allele origin: germline.

NM_000492.4(CFTR):c.1239dup (p.Gln414fs)

Genes: CFTR-AS1 (CFTR antisense RNA 1; minus strand), CFTR (CF transmembrane conductance regulator; plus strand). Cytogenetic location: 7q31.2.
Variant type: Duplication.
Coding change: c.1239dup on transcript NM_000492.4 (MANE Select); coding-DNA position 1239, one base duplicated (A; older notation c.1239dupA).
Protein change: p.Gln414fs; shifts the reading frame from glutamine 414.
Molecular consequence: frameshift variant.
Genome position (GRCh38, 1-based): chr7:117,548,670, A duplicated; the last of 4 consecutive A bases (chr7:117,548,667-117,548,670); duplicating any one gives the same sequence. VCF-style (leftmost placement, unchanged base first): chr7-117548666-C-CA. GRCh37 (hg19) VCF-style: chr7-117188720-C-CA.
Other names: c.1239dupA (NM_000492.4); short protein forms Q414fs.
Identifiers: ClinVar variation 439050 (VCV000439050.5), dbSNP rs1554382608, ClinGen allele CA645509180.